The following is an entry in ClinVar:

NM_006648.4(WNK2):c.3425A>T (p.Asp1142Val)

Gene: WNK2 (WNK lysine deficient protein kinase 2; plus strand). Cytogenetic location: 9q22.31.
Variant type: single nucleotide variant.
Coding change: c.3425A>T on transcript NM_006648.4 (MANE Select); coding-DNA position 3425, A replaced by T.
Protein change: p.Asp1142Val; replaces aspartic acid 1142 with valine.
Molecular consequence: missense variant.
Genome position (GRCh38, 1-based): chr9:93,263,580, A>T. VCF-style: chr9-93263580-A-T. GRCh37 (hg19) VCF-style: chr9-96025862-A-T.
Other names: c.3425A>T, p.Asp1142Val (NM_001282394.3); short protein forms D1142V.
Identifiers: ClinVar variation 5031826 (VCV005031826.1).

ClinVar aggregate classification (germline): Uncertain significance (1 of 4 stars; one submission).

gnomAD v4.1: 1 of 1,611,284 alleles (0.000062%); highest among the groups gnomAD compares: Non-Finnish European, 0.000085%; no homozygotes.

Submission:

Ambry Genetics
Classification: Uncertain significance. Last evaluated: 2026-07-05. Review status: criteria provided, single submitter. Criteria: Ambry Variant Classification Scheme 2023. Collection method: clinical testing. Allele origin: germline.
Comment: The p.D1142V variant (also known as c.3425A>T), located in coding exon 14 of the WNK2 gene, results from an A to T substitution at nucleotide position 3425. The aspartic acid at codon 1142 is replaced by valine, an amino acid with highly dissimilar properties. This amino acid position is conserved. In addition, the in silico prediction for this alteration is inconclusive. Based on the available evidence, the clinical significance of this variant remains unclear.